The following is an entry in ClinVar:

ClinVar aggregate classification (germline): Uncertain significance. Review status: criteria provided, multiple submitters, no conflicts (2 of 4 stars). 2 submissions from 2 submitters: Uncertain significance (2). Last evaluated 2022-04-04.

Conditions:
Inborn genetic diseases. Identifiers: MedGen C0950123, MeSH D030342.

gnomAD v4.1: 4 of 1,606,744 alleles (0.00025%); highest among the groups gnomAD compares: African/African-American, 0.0013%; no homozygotes.

Submissions (2):

Labcorp Genetics (formerly Invitae), Labcorp
Classification: Uncertain significance. Last evaluated: 2022-04-04. Review status: criteria provided, single submitter. Criteria: Invitae Variant Classification Sherloc (09022015). Collection method: clinical testing. Allele origin: germline.
Comment: In summary, the available evidence is currently insufficient to determine the role of this variant in disease. Therefore, it has been classified as a Variant of Uncertain Significance. Experimental studies and prediction algorithms are not available or were not evaluated, and the functional significance of this variant is currently unknown. This variant has not been reported in the literature in individuals affected with COL18A1-related conditions. This variant is present in population databases (no rsID available, gnomAD 0.005%). This sequence change replaces glycine, which is neutral and non-polar, with arginine, which is basic and polar, at codon 256 of the COL18A1 protein (p.Gly256Arg).

Ambry Genetics
Classification: Uncertain significance for Inborn genetic diseases. Last evaluated: 2021-10-20. Review status: criteria provided, single submitter. Criteria: Ambry Variant Classification Scheme 2023. Collection method: clinical testing. Allele origin: germline.

NM_001379500.1(COL18A1):c.766G>C (p.Gly256Arg)

Gene: COL18A1 (collagen type XVIII alpha 1 chain; plus strand). Cytogenetic location: 21q22.3.
Variant type: single nucleotide variant.
Coding change: c.766G>C on transcript NM_001379500.1 (MANE Select); coding-DNA position 766, G replaced by C.
Protein change: p.Gly256Arg; replaces glycine 256 with arginine.
Molecular consequence: missense variant.
Genome position (GRCh38, 1-based): chr21:45,475,503, G>C. VCF-style: chr21-45475503-G-C. GRCh37 (hg19) VCF-style: chr21-46895417-G-C.
Other names: NM_130445.2:c.766G>C; c.1306G>C, p.Gly436Arg (NM_030582.4); c.2011G>C, p.Gly671Arg (NM_130444.3); short protein forms G436R, G256R, G671R.
Identifiers: ClinVar variation 2045660 (VCV002045660.5), dbSNP rs574811209, ClinGen allele CA410513498.